The following is an entry in ClinVar:

ClinVar aggregate classification (germline): Pathogenic/Likely pathogenic. Review status: criteria provided, multiple submitters, no conflicts (2 of 4 stars). 6 submissions from 6 submitters: Pathogenic (2); Likely pathogenic (3). 1 of the submissions does not count toward it. Last evaluated 2025-06-10.

Conditions:
NF1-related disorder. Also called: NF1-related condition. Identifiers: MedGen CN379171.
Hereditary cancer-predisposing syndrome. Also called: Hereditary Cancer Syndrome; Hereditary neoplastic syndrome; Neoplastic Syndromes, Hereditary; Tumor predisposition. Identifiers: Orphanet 140162, MedGen C0027672, MeSH D009386, MONDO:0015356.
Cardiovascular phenotype. Identifiers: MedGen CN230736.
Neurofibromatosis, type 1 (NF1). Also called: Neurofibromatosis, type I; Peripheral type neurofibromatosis; VON RECKLINGHAUSEN DISEASE; NEUROFIBROMATOSIS, TYPE I, SOMATIC. Identifiers: Orphanet 636, MedGen C0027831, MONDO:0018975, OMIM 162200. Disease mechanism: loss of function.

Allele frequency attached by ClinVar (database versions not stated): gnomAD exomes below 0.00001.
gnomAD v4.1: 1 of 1,611,668 alleles (0.000062%); highest among the groups gnomAD compares: Non-Finnish European, 0.000085%; no homozygotes.

Submissions (6):

Ambry Genetics
Classification: Pathogenic for Cardiovascular phenotype; Hereditary cancer-predisposing syndrome. Last evaluated: 2025-06-10. Review status: criteria provided, single submitter. Criteria: Ambry Variant Classification Scheme 2023. Collection method: clinical testing. Allele origin: germline.
Comment: The c.2990+1G>A intronic pathogenic mutation results from a G to A substitution one nucleotide after coding exon 22 of the NF1 gene. This variant was reported in individual(s) with features consistent with neurofibromatosis type 1 (Wimmer K et al. Hum Mutat, 2007 Jun;28:599-612; Ambry internal data). This nucleotide position is highly conserved in available vertebrate species. In silico splice site analysis predicts that this alteration will weaken the native splice donor site. RNA studies have demonstrated that this alteration results in abnormal splicing (Wimmer K et al. Hum Mutat, 2007 Jun;28:599-612; Ambry internal data). This variant is considered to be rare based on population cohorts in the Genome Aggregation Database (gnomAD). Based on the supporting evidence, this variant is interpreted as a disease-causing mutation.

Labcorp Genetics (formerly Invitae), Labcorp
Classification: Pathogenic for Neurofibromatosis, type 1. Last evaluated: 2025-05-11. Review status: criteria provided, single submitter. Criteria: Invitae Variant Classification Sherloc (09022015). Collection method: clinical testing. Allele origin: germline.
Comment: This sequence change affects a donor splice site in intron 22 of the NF1 gene. It is expected to disrupt RNA splicing. Variants that disrupt the donor or acceptor splice site typically lead to a loss of protein function (PMID: 16199547), and loss-of-function variants in NF1 are known to be pathogenic (PMID: 10712197, 23913538). This variant is not present in population databases (gnomAD no frequency). Disruption of this splice site has been observed in individuals with neurofibromatosis type-1 (PMID: 17311297; internal data). Invitae Evidence Modeling of clinical and family history, age, sex, and reported ancestry of multiple individuals with this NF1 variant has been performed. This variant is expected to be pathogenic with a positive predictive value of at least 99%. This is a validated machine learning model that incorporates the clinical features of 1,785,918 individuals referred to our laboratory for NF1 testing. ClinVar contains an entry for this variant (Variation ID: 431613). Algorithms developed to predict the effect of sequence changes on RNA splicing suggest that this variant may disrupt the consensus splice site. For these reasons, this variant has been classified as Pathogenic.

Quest Diagnostics Nichols Institute San Juan Capistrano
Classification: Likely pathogenic. Last evaluated: 2024-11-03. Review status: criteria provided, single submitter. Criteria: Quest Diagnostics criteria. Collection method: clinical testing. Allele origin: unknown.
Comment: The NF1 c.2990+1G>A variant disrupts a canonical splice-donor site and is predicted to interfere with normal NF1 mRNA splicing. This variant has been reported in the published literature in individuals affected with neurofibromatosis type 1 (PMIDs: 23913538 (2013), 17311297 (2007)). This variant has not been reported in large, multi-ethnic general populations (Genome Aggregation Database). Based on the available information, this variant is classified as likely pathogenic.

GeneDx
Classification: Likely pathogenic. Last evaluated: 2022-04-06. Review status: criteria provided, single submitter. Criteria: GeneDx Variant Classification Process June 2021. Collection method: clinical testing. Allele origin: germline. Affected: yes.
Comment: Canonical splice site variant predicted to result in a null allele in a gene for which loss of function is a known mechanism of disease; Not observed at significant frequency in large population cohorts (gnomAD); Also known as IVS17+1G>A; This variant is associated with the following publications: (PMID: 17311297)

Blueprint Genetics
Classification: Likely pathogenic for NF1-related disorders. Last evaluated: 2019-06-04. Review status: criteria provided, single submitter. Criteria: ACMG Guidelines, 2015. Collection method: clinical testing. Allele origin: germline. Affected: yes. Observed: 1 variant allele.

Medical Genetics, University of Parma
Classification: Likely pathogenic for Neurofibromatosis type 1. Last evaluated: 2017-02-02. Review status: no assertion criteria provided. Collection method: clinical testing. Allele origin: germline. Affected: yes. Not counted in ClinVar's aggregate classification.

Literature cited by the submitters: PubMed 17311297 (cited by 3 submitters); PubMed 16199547 (cited by Labcorp Genetics (formerly Invitae), Labcorp); PubMed 10712197 (cited by Labcorp Genetics (formerly Invitae), Labcorp); PubMed 23913538 (cited by Labcorp Genetics (formerly Invitae), Labcorp and Quest Diagnostics Nichols Institute San Juan Capistrano).

NM_001042492.3(NF1):c.2990+1G>A

Gene: NF1 (neurofibromin 1; plus strand). Cytogenetic location: 17q11.2.
Variant type: single nucleotide variant.
Coding change: c.2990+1G>A on transcript NM_001042492.3 (MANE Select); the canonical splice donor site of the intron after coding-DNA position 2990, G replaced by A.
Molecular consequence: splice donor variant.
Genome position (GRCh38, 1-based): chr17:31,229,975, G>A. VCF-style: chr17-31229975-G-A. GRCh37 (hg19) VCF-style: chr17-29556993-G-A.
Other names: c.2990+1G>A (NM_000267.4).
Identifiers: ClinVar variation 431613 (VCV000431613.13), dbSNP rs1135402836, ClinGen allele CA398986461.